The following is an entry in ClinVar:

NM_032638.5(GATA2):c.937C>T (p.His313Tyr)

Gene: GATA2 (GATA binding protein 2; minus strand). Cytogenetic location: 3q21.3.
Variant type: single nucleotide variant.
Coding change: c.937C>T on transcript NM_032638.5 (MANE Select); coding-DNA position 937, C replaced by T.
Protein change: p.His313Tyr; replaces histidine 313 with tyrosine.
Molecular consequence: missense variant.
Genome position (GRCh38, 1-based): chr3:128,483,940, G>A on the plus strand (C>T on the coding strand, the complement: GATA2 is on the minus strand). VCF-style: chr3-128483940-G-A. GRCh37 (hg19) VCF-style: chr3-128202783-G-A.
Other names: c.937C>T, p.His313Tyr (NM_001145661.2, NM_001145662.1); c.937C>T (NM_032638.4); short protein forms H313Y.
Identifiers: ClinVar variation 1005061 (VCV001005061.11), dbSNP rs2068661887, ClinGen allele CA354404591.
Genomic context (GRCh38, chr3:128,483,940, plus strand): 5'-TGAGTGGTCGGTTCTGCCCATTCATCTTGTGGTAGAGGCCACAGGCATTGCACAGGTAGT[G>A]GCCGGTGCCGTCCCGCCGCCAGAGAGGGGTGGCTGTGGCCCCACAGTTGACACACTCCCG-3'
Protein context (NP_116027.2, residues 303-323): TPLWRRDGTG[His313Tyr]YLCNACGLYH

ClinVar aggregate classification (germline): Conflicting classifications of pathogenicity. Review status: criteria provided, conflicting classifications (1 of 4 stars). 4 submissions from 4 submitters: Likely pathogenic (1); Uncertain significance (3). Last evaluated 2026-04-07.

Conditions:
Inborn genetic diseases. Identifiers: MedGen C0950123, MeSH D030342.
GATA2 deficiency with susceptibility to MDS/AML. Identifiers: MedGen CN300066, MONDO:0042982.
Deafness-lymphedema-leukemia syndrome. Also called: Lymphedema, primary, with myelodysplasia; Emberger syndrome. Identifiers: Orphanet 3226, MedGen C3279664, MONDO:0013540, OMIM 614038.
Monocytopenia with susceptibility to infections. Also called: MONOCYTOPENIA AND MYCOBACTERIAL INFECTION SYNDROME; MONOCYTOPENIA WITH SUSCEPTIBILITY TO MYCOBACTERIAL, FUNGAL, AND PAPILLOMAVIRUS INFECTIONS AND MYELODYSPLASIA; COMBINED IMMUNODEFICIENCY WITH SUSCEPTIBILITY TO MYCOBACTERIAL, VIRAL, AND FUNGAL INFECTIONS; Dendritic cell, monocyte, B lymphocyte, and natural killer lymphocyte deficiency; IMMUNODEFICIENCY 21; GATA2 DEFICIENCY. Identifiers: Orphanet 228423, MedGen C3280030, MONDO:0013607, OMIM 614172.

Allele frequency attached by ClinVar (database versions not stated): gnomAD 0.00001.
gnomAD v4.1: 1 of 1,614,016 alleles (0.000062%); highest among the groups gnomAD compares: African/African-American, 0.0013%; no homozygotes.

Submissions (4):

GeneDx
Classification: Uncertain significance. Last evaluated: 2026-04-07. Review status: criteria provided, single submitter. Criteria: GeneDx Variant Classification Process June 2021. Collection method: clinical testing. Allele origin: germline.
Comment: Reported in a proband with myelodysplasia, undifferentiated acute leukemia, and a history of viral meningitis and herpes simplex virus (PMID: 29724903); Reported with another nearby variant in an adult with severe pneumonia, disseminated cytomegalovirus infection, and agammaglobulinemia, but it is not known whether the variants occurred on the same (in cis) or on different (in trans) alleles (PMID: 39836831, 39836846); Not observed at significant frequency in large population cohorts (gnomAD); In silico analysis supports that this missense variant has a deleterious effect on protein structure/function; This variant is associated with the following publications: (PMID: 1714909, 28179282, 34387894, 39836831, 39836846, 29724903)

Ambry Genetics
Classification: Uncertain significance for Inborn genetic diseases. Last evaluated: 2026-03-31. Review status: criteria provided, single submitter. Criteria: Ambry Variant Classification Scheme 2023. Collection method: clinical testing. Allele origin: germline.
Comment: The p.H313Y variant (also known as c.937C>T), located in coding exon 3 of the GATA2 gene, results from a C to T substitution at nucleotide position 937. The histidine at codon 313 is replaced by tyrosine, an amino acid with similar properties. This amino acid position is highly conserved in available vertebrate species. In addition, this alteration is predicted to be deleterious by in silico analysis. Based on the available evidence, the clinical significance of this variant remains unclear.

Molecular Pathology Research Laboratory, SA Pathology
Classification: Likely pathogenic for GATA2 deficiency with susceptibility to MDS/AML; Deafness-lymphedema-leukemia syndrome. Last evaluated: 2021-07-06. Review status: criteria provided, single submitter. Criteria: ACMG Guidelines, 2015. Collection method: curation. Allele origin: germline. Inheritance: Autosomal dominant inheritance. Affected: yes. Observed: 1 variant allele.
Comment: PS4_Supporting, PM1, PM2, PP3

Labcorp Genetics (formerly Invitae), Labcorp
Classification: Uncertain significance for Monocytopenia with susceptibility to infections; Deafness-lymphedema-leukemia syndrome. Last evaluated: 2020-01-11. Review status: criteria provided, single submitter. Criteria: Invitae Variant Classification Sherloc (09022015). Collection method: clinical testing. Allele origin: germline.
Comment: In summary, the available evidence is currently insufficient to determine the role of this variant in disease. Therefore, it has been classified as a Variant of Uncertain Significance. Algorithms developed to predict the effect of missense changes on protein structure and function are either unavailable or do not agree on the potential impact of this missense change (SIFT: "Deleterious"; PolyPhen-2: "Probably Damaging"; Align-GVGD: "Class C0"). This variant has been observed in individual(s) with myelodysplastic syndrome (PMID: 29724903). This variant is not present in population databases (ExAC no frequency). This sequence change replaces histidine with tyrosine at codon 313 of the GATA2 protein (p.His313Tyr). The histidine residue is moderately conserved and there is a moderate physicochemical difference between histidine and tyrosine.

Literature cited by the submitters: PubMed 29724903 (cited by Molecular Pathology Research Laboratory, SA Pathology and Labcorp Genetics (formerly Invitae), Labcorp).